The following is an entry in ClinVar:

NM_000059.4(BRCA2):c.250del (p.Gln84fs)

Gene: BRCA2 (BRCA2 DNA repair associated; plus strand). Cytogenetic location: 13q13.1.
Variant type: Deletion.
Coding change: c.250del on transcript NM_000059.4 (MANE Select); coding-DNA position 250, one base deleted (C; older notation c.250delC).
Protein change: p.Gln84fs; shifts the reading frame from glutamine 84.
Molecular consequence: frameshift variant.
Genome position (GRCh38, 1-based): chr13:32,319,259, C deleted. VCF-style (leftmost placement, unchanged base first): chr13-32319258-GC-G. GRCh37 (hg19) VCF-style: chr13-32893395-GC-G.
Other names: 478delC; short protein forms Q84fs.
Identifiers: ClinVar variation 266705 (VCV000266705.5), dbSNP rs886040432, ClinGen allele CA10589018.

ClinVar aggregate classification (germline): Pathogenic. Review status: reviewed by expert panel (3 of 4 stars). 2 submissions from 2 submitters: Pathogenic (1). 1 of the submissions does not count toward it. Last evaluated 2016-10-18.

Conditions:
Breast-ovarian cancer, familial, susceptibility to, 2 (BROVCA2). Also called: BRCA2 Hereditary Breast and Ovarian Cancer. Identifiers: Orphanet 145, MedGen C2675520, MONDO:0012933, OMIM 612555. Disease mechanism: loss of function.

Submissions (2):

Evidence-based Network for the Interpretation of Germline Mutant Alleles (ENIGMA)
Classification: Pathogenic for Breast-ovarian cancer, familial, susceptibility to, 2. Last evaluated: 2016-10-18. Review status: reviewed by expert panel. Criteria: ENIGMA BRCA1/2 Classification Criteria (2015). Collection method: curation. Allele origin: germline.
Comment: Variant allele predicted to encode a truncated non-functional protein.

Consortium of Investigators of Modifiers of BRCA1/2 (CIMBA), c/o University of Cambridge
Classification: Pathogenic for Breast-ovarian cancer, familial, susceptibility to, 2. Last evaluated: 2015-10-02. Review status: criteria provided, single submitter. Criteria: CIMBA Mutation Classification guidelines May 2016. Collection method: clinical testing. Allele origin: germline. Not counted in ClinVar's aggregate classification.